The following is an entry in ClinVar:

NM_014171.6(CRIPT):c.297A>T (p.Thr99=)

Gene: CRIPT (CXXC repeat containing interactor of PDZ3 domain; plus strand). Cytogenetic location: 2p21.
Variant type: single nucleotide variant.
Coding change: c.297A>T on transcript NM_014171.6 (MANE Select); coding-DNA position 297, A replaced by T.
Protein change: p.Thr99=; no amino-acid change (threonine 99 retained).
Molecular consequence: synonymous variant.
Genome position (GRCh38, 1-based): chr2:46,624,218, A>T. VCF-style: chr2-46624218-A-T. GRCh37 (hg19) VCF-style: chr2-46851357-A-T.
Identifiers: ClinVar variation 3353895 (VCV003353895.3).
Genomic context (GRCh38, chr2:46,624,218, plus strand): 5'-TTCAGGCATCTGTGCGATGTGTGGAAAAAAGGTTTTGGATACCAAAAACTACAAGCAAAC[A>T]TCTGTCTAGATGTATTGATGGAATTTCTGGCTTTCTAAATGATTTTACTTTCTGCCTTGA-3'
Protein context (NP_054890.1, residues 89-101): KVLDTKNYKQ[Thr99=]SV

ClinVar aggregate classification (germline): Likely benign. Review status: criteria provided, multiple submitters, no conflicts (2 of 4 stars). 3 submissions from 3 submitters: Likely benign (2). 1 of the submissions does not count toward it. Last evaluated 2025-10-09.

Conditions:
CRIPT-related disorder. Also called: CRIPT-related condition.

gnomAD v4.1: 36 of 1,577,878 alleles (0.0023%); highest among the groups gnomAD compares: Middle Eastern, 0.017%; no homozygotes.

Submissions (3):

Labcorp Genetics (formerly Invitae), Labcorp
Classification: Likely benign. Last evaluated: 2025-10-09. Review status: criteria provided, single submitter. Criteria: Invitae Variant Classification Sherloc (09022015). Collection method: clinical testing. Allele origin: germline.

Blueprint Genetics
Classification: Likely benign. Last evaluated: 2023-07-10. Review status: criteria provided, single submitter. Criteria: ACMG Guidelines, 2015. Collection method: clinical testing. Allele origin: germline.

PreventionGenetics, part of Exact Sciences
Classification: Likely benign for CRIPT-related condition. Last evaluated: 2019-12-05. Review status: no assertion criteria provided. Collection method: clinical testing. Allele origin: germline. Not counted in ClinVar's aggregate classification.
Comment: This variant is classified as likely benign based on ACMG/AMP sequence variant interpretation guidelines (Richards et al. 2015 PMID: 25741868, with internal and published modifications).